The following is an entry in ClinVar:

NM_001127222.2(CACNA1A):c.6326G>A (p.Gly2109Glu)

Gene: CACNA1A (calcium voltage-gated channel subunit alpha1 A; minus strand). Cytogenetic location: 19p13.13.
Variant type: single nucleotide variant.
Coding change: c.6326G>A on transcript NM_001127222.2 (MANE Select); coding-DNA position 6326, G replaced by A.
Protein change: p.Gly2109Glu; replaces glycine 2109 with glutamic acid.
Molecular consequence: missense variant.
Genome position (GRCh38, 1-based): chr19:13,210,630, C>T on the plus strand (G>A on the coding strand, the complement: CACNA1A is on the minus strand). VCF-style: chr19-13210630-C-T. GRCh37 (hg19) VCF-style: chr19-13321444-C-T.
Other names: c.6344G>A, p.Gly2115Glu (NM_000068.4, NM_023035.3); c.6329G>A, p.Gly2110Glu (NM_001127221.2); c.6335G>A, p.Gly2112Glu (NM_001174080.2); short protein forms G2109E, G2110E, G2112E, G2115E.
Identifiers: ClinVar variation 1309076 (VCV001309076.9), dbSNP rs868808043, ClinGen allele CA404331307.

ClinVar aggregate classification (germline): Uncertain significance. Review status: criteria provided, multiple submitters, no conflicts (2 of 4 stars). 2 submissions from 2 submitters: Uncertain significance (2). Last evaluated 2025-07-23.

Conditions:
Episodic ataxia type 2 (EA2). Also called: ATAXIA, EPISODIC, WITH NYSTAGMUS; ATAXIA, FAMILIAL PAROXYSMAL; CEREBELLAR ATAXIA, PAROXYSMAL, ACETAZOLAMIDE-RESPONSIVE; CEREBELLOPATHY, HEREDITARY PAROXYSMAL; EPISODIC ATAXIA, NYSTAGMUS-ASSOCIATED; ACETAZOLAMIDE-RESPONSIVE HEREDITARY PAROXYSMAL CEREBELLAR ATAXIA. Identifiers: Orphanet 97, MedGen C1720416, MONDO:0007163, OMIM 108500.
Developmental and epileptic encephalopathy, 42 (DEE42A). Also called: Epileptic encephalopathy, early infantile, 42; DEVELOPMENTAL AND EPILEPTIC ENCEPHALOPATHY 42A; EPILEPTIC ENCEPHALOPATHY, EARLY INFANTILE, 42A. Identifiers: MedGen C4310716, MONDO:0014917, OMIM 617106.

Allele frequency attached by ClinVar (database versions not stated): gnomAD 0.00001.

Submissions (2):

Labcorp Genetics (formerly Invitae), Labcorp
Classification: Uncertain significance for Developmental and epileptic encephalopathy, 42; Episodic ataxia type 2. Last evaluated: 2025-07-23. Review status: criteria provided, single submitter. Criteria: Invitae Variant Classification Sherloc (09022015). Collection method: clinical testing. Allele origin: germline.
Comment: This sequence change replaces glycine, which is neutral and non-polar, with glutamic acid, which is acidic and polar, at codon 2110 of the CACNA1A protein (p.Gly2110Glu). This variant is not present in population databases (gnomAD no frequency). This variant has not been reported in the literature in individuals affected with CACNA1A-related conditions. ClinVar contains an entry for this variant (Variation ID: 1309076). Invitae Evidence Modeling of protein sequence and biophysical properties (such as structural, functional, and spatial information, amino acid conservation, physicochemical variation, residue mobility, and thermodynamic stability) indicates that this missense variant is not expected to disrupt CACNA1A protein function with a negative predictive value of 95%. In summary, the available evidence is currently insufficient to determine the role of this variant in disease. Therefore, it has been classified as a Variant of Uncertain Significance.

GeneDx
Classification: Uncertain significance. Last evaluated: 2019-10-13. Review status: criteria provided, single submitter. Criteria: GeneDx Variant Classification Process June 2021. Collection method: clinical testing. Allele origin: germline. Affected: yes.
Comment: Not observed in large population cohorts (Lek et al., 2016); In silico analysis, which includes protein predictors and evolutionary conservation, supports a deleterious effect; Has not been previously published as pathogenic or benign to our knowledge